The following is an entry in ClinVar:

NM_015047.3(EMC1):c.2008T>C (p.Phe670Leu)

Genes: EMC1-AS1 (EMC1 antisense RNA 1; plus strand), EMC1 (ER membrane protein complex subunit 1; minus strand). Cytogenetic location: 1p36.13.
Variant type: single nucleotide variant.
Coding change: c.2008T>C on transcript NM_015047.3 (MANE Select); coding-DNA position 2008, T replaced by C.
Protein change: p.Phe670Leu; replaces phenylalanine 670 with leucine.
Molecular consequence: missense variant.
Genome position (GRCh38, 1-based): chr1:19,230,900, A>G on the plus strand (T>C on the coding strand, the complement: EMC1 is on the minus strand). VCF-style: chr1-19230900-A-G. GRCh37 (hg19) VCF-style: chr1-19557394-A-G.
Other names: c.2008T>C (NM_015047.1); c.2005T>C, p.Phe669Leu (NM_001271427.2, NM_001271428.2); c.1942T>C, p.Phe648Leu (NM_001271429.2); c.2017T>C, p.Phe673Leu (NM_001375820.1); c.2014T>C, p.Phe672Leu (NM_001375821.1); short protein forms F670L, F648L, F672L, F673L, F669L.
Identifiers: ClinVar variation 1475136 (VCV001475136.9), dbSNP rs2275402, ClinGen allele CA652431.

ClinVar aggregate classification (germline): Conflicting classifications of pathogenicity. Review status: criteria provided, conflicting classifications (1 of 4 stars). 4 submissions from 4 submitters: Uncertain significance (3); Likely benign (1). Last evaluated 2025-08-20.

Conditions:
Retinal dystrophy. Also called: Inherited retinal dystrophy. Identifiers: Orphanet 71862, MedGen C0854723, MeSH D058499, MONDO:0019118, HP:0000556.
Cerebellar atrophy, visual impairment, and psychomotor retardation;. Also called: Cerebellar atrophy, visual impairment, and psychomotor retardation. Identifiers: MedGen C4225172, MONDO:0014811, OMIM 616875.
Inborn genetic diseases. Identifiers: MedGen C0950123, MeSH D030342.

Allele frequency attached by ClinVar (database versions not stated): TOPMed below 0.00001; gnomAD 0.00001 and 0.00002; 1000 Genomes Project 30x 0.00016; gnomAD exomes 0.00017; 1000 Genomes Project 0.00020.
gnomAD v4.1: 112 of 1,614,218 alleles (0.0069%); highest among the groups gnomAD compares: East Asian, 0.24%; no homozygotes.

Submissions (4):

Labcorp Genetics (formerly Invitae), Labcorp
Classification: Uncertain significance. Last evaluated: 2025-08-20. Review status: criteria provided, single submitter. Criteria: Invitae Variant Classification Sherloc (09022015). Collection method: clinical testing. Allele origin: germline.
Comment: This sequence change replaces phenylalanine, which is neutral and non-polar, with leucine, which is neutral and non-polar, at codon 670 of the EMC1 protein (p.Phe670Leu). This variant is present in population databases (rs2275402, gnomAD 0.04%). This variant has not been reported in the literature in individuals affected with EMC1-related conditions. ClinVar contains an entry for this variant (Variation ID: 1475136). Invitae Evidence Modeling of protein sequence and biophysical properties (such as structural, functional, and spatial information, amino acid conservation, physicochemical variation, residue mobility, and thermodynamic stability) indicates that this missense variant is expected to disrupt EMC1 protein function with a positive predictive value of 80%. In summary, the available evidence is currently insufficient to determine the role of this variant in disease. Therefore, it has been classified as a Variant of Uncertain Significance.

3billion
Classification: Likely benign for Cerebellar atrophy, visual impairment, and psychomotor retardation;. Last evaluated: 2024-09-20. Review status: criteria provided, single submitter. Criteria: ACMG Guidelines, 2015. Collection method: clinical testing. Allele origin: germline. Affected: no.
Comment: The homozygous variant was found in patients diagnosed with another variant in a different gene, with no symptoms related to the gene containing the homozygous variant.

Ambry Genetics
Classification: Uncertain significance for Inborn genetic diseases. Last evaluated: 2023-12-20. Review status: criteria provided, single submitter. Criteria: Ambry Variant Classification Scheme 2023. Collection method: clinical testing. Allele origin: germline.

Dept Of Ophthalmology, Nagoya University
Classification: Uncertain significance for Retinal dystrophy. Last evaluated: 2023-10-01. Review status: criteria provided, single submitter. Criteria: Submitter's publication. Collection method: research. Allele origin: germline. Affected: yes.